The following is an entry in ClinVar:

ClinVar aggregate classification (germline): Uncertain significance (1 of 4 stars; one submission).

Conditions:
Myoclonic dystonia 11 (DYT11). Also called: SGCE Myoclonus-Dystonia; Myoclonus-Dystonia; DYT-SGCE; Myoclonic dystonia; Dystonia 11; Dystonia, alcohol responsive. Identifiers: Orphanet 36899, MedGen C1834570, MONDO:0008044, OMIM 159900.

Allele frequency attached by ClinVar (database versions not stated): TOPMed 0.00002; ExAC 0.00004; gnomAD exomes 0.00004 and 0.00002; gnomAD 0.00001.
gnomAD v4.1: 53 of 1,610,376 alleles (0.0033%); highest among the groups gnomAD compares: Non-Finnish European, 0.0042%; no homozygotes.

Submission:

Labcorp Genetics (formerly Invitae), Labcorp
Classification: Uncertain significance for Myoclonic dystonia 11. Last evaluated: 2025-07-03. Review status: criteria provided, single submitter. Criteria: Invitae Variant Classification Sherloc (09022015). Collection method: clinical testing. Allele origin: germline.
Comment: This sequence change replaces glutamine, which is neutral and polar, with histidine, which is basic and polar, at codon 425 of the SGCE protein (p.Gln425His). This variant is present in population databases (rs762720842, gnomAD 0.005%). This variant has not been reported in the literature in individuals affected with SGCE-related conditions. ClinVar contains an entry for this variant (Variation ID: 653442). An algorithm developed to predict the effect of missense changes on protein structure and function (PolyPhen-2) suggests that this variant is likely to be disruptive. In summary, the available evidence is currently insufficient to determine the role of this variant in disease. Therefore, it has been classified as a Variant of Uncertain Significance.

NM_003919.3(SGCE):c.1275G>C (p.Gln425His)

Genes: CASD1 (CAS1 domain sialic acid O acetyltransferase 1; plus strand), SGCE (sarcoglycan epsilon; minus strand). Cytogenetic location: 7q21.3.
Variant type: single nucleotide variant.
Coding change: c.1275G>C on transcript NM_003919.3 (MANE Select); coding-DNA position 1275, G replaced by C.
Protein change: p.Gln425His; replaces glutamine 425 with histidine.
Molecular consequence: missense variant.
Genome position (GRCh38, 1-based): chr7:94,588,711, C>G on the plus strand (G>C on the coding strand, the complement: SGCE is on the minus strand). VCF-style: chr7-94588711-C-G. GRCh37 (hg19) VCF-style: chr7-94218023-C-G.
Other names: c.1248G>C, p.Gln416His (NM_001099400.2, NM_001346717.2); c.1350G>C, p.Gln450His (NM_001099401.2); c.1152G>C, p.Gln384His (NM_001301139.2); c.1383G>C, p.Gln461His (NM_001346713.2); c.1356G>C, p.Gln452His (NM_001346715.2); c.1188G>C, p.Gln396His (NM_001346719.2); c.1002G>C, p.Gln334His (NM_001346720.2); c.1161G>C, p.Gln387His (NM_001362807.2); and 2 more; short protein forms Q387H, Q334H, Q396H, Q425H, Q450H, Q461H, Q325H, Q375H.
Identifiers: ClinVar variation 653442 (VCV000653442.8), dbSNP rs762720842, ClinGen allele CA4348575.
Genomic context (GRCh38, chr7:94,588,711, plus strand): 5'-TCATTCATAAACATTAATTTATTATTCTTAGCACTCACCTGTAGTCTGCTGTTGGGGAAT[C>G]TGAGTCTGATGTGGCAAGTTCCTAGAAATGATGAACATTTTTGAGTAAAACTGTTTGTTT-3'
Protein context (NP_003910.1, residues 415-435): QTQQNLPHQT[Gln425His]IPQQQTTGKW